The following is an entry in ClinVar:

ClinVar aggregate classification (germline): Uncertain significance (1 of 4 stars; one submission).

Conditions:
PHOX2B-related disorder. Also called: PHOX2B-related condition.

Submission:

PreventionGenetics, part of Exact Sciences
Classification: Uncertain significance for PHOX2B-related condition. Last evaluated: 2022-08-24. Review status: criteria provided, single submitter. Criteria: ACMG Guidelines, 2015. Collection method: clinical testing. Allele origin: germline.
Comment: The PHOX2B c.66C>A variant is predicted to result in the amino acid substitution p.Asp22Glu. To our knowledge, this variant has not been reported in the literature or in a large population database, indicating this variant is rare. At this time, the clinical significance of this variant is uncertain due to the absence of conclusive functional and genetic evidence.

NM_003924.4(PHOX2B):c.66C>A (p.Asp22Glu)

Genes: PHOX2B (paired like homeobox 2B; minus strand), PHOX2B-AS1 (PHOX2B antisense RNA 1; plus strand). Cytogenetic location: 4p13.
Variant type: single nucleotide variant.
Coding change: c.66C>A on transcript NM_003924.4 (MANE Select); coding-DNA position 66, C replaced by A.
Protein change: p.Asp22Glu; replaces aspartic acid 22 with glutamic acid.
Molecular consequence: missense variant. On other transcripts: non-coding transcript variant (1).
Genome position (GRCh38, 1-based): chr4:41,748,545, G>T on the plus strand (C>A on the coding strand, the complement: PHOX2B is on the minus strand). VCF-style: chr4-41748545-G-T. GRCh37 (hg19) VCF-style: chr4-41750562-G-T.
Other names: short protein forms D22E.
Identifiers: ClinVar variation 2636577 (VCV002636577.1), dbSNP rs2153113068, ClinGen allele CA356741186.
Genomic context (GRCh38, chr4:41,748,545, plus strand): 5'-GAAGCCACTGGCCTGGCTGCAGGAACTGAAGTCAGCATAGGCTGAAGCCAGGCTCGAGGT[G>T]TCCATCCCAGCCATACAGGACTCGTAGGCAGAGGAATTGAGGTAAGAATATTCCATTTTA-3'
Protein context (NP_003915.2, residues 12-32): SAYESCMAGM[Asp22Glu]TSSLASAYAD